The following is an entry in ClinVar:

ClinVar aggregate classification (germline): Uncertain significance. Review status: criteria provided, multiple submitters, no conflicts (2 of 4 stars). 2 submissions from 2 submitters: Uncertain significance (2). Last evaluated 2022-03-19.

Conditions:
Bardet-Biedl syndrome 11 (BBS11). Identifiers: Orphanet 110, MedGen C1859569, MONDO:0014439, OMIM 615988.
Sarcotubular myopathy (LGMDR8). Also called: Limb-girdle muscular dystrophy, type 2H; Autosomal recessive limb-girdle muscular dystrophy type 2H; MUSCULAR DYSTROPHY, LIMB-GIRDLE, AUTOSOMAL RECESSIVE 8; Hutterite type of muscular dystrophy. Identifiers: Orphanet 1878, MedGen C0270968, MONDO:0009683, OMIM 254110.
Bardet-Biedl syndrome (BBS). Identifiers: Orphanet 110, MedGen C0752166, MONDO:0015229.

Allele frequency attached by ClinVar (database versions not stated): gnomAD exomes 0.00001 and 0.00002; gnomAD 0.00001; ExAC 0.00002; ESP Exome Variant Server 0.00008; TOPMed 0.00001.
gnomAD v4.1: 27 of 1,614,046 alleles (0.0017%); highest among the groups gnomAD compares: South Asian, 0.0055%; no homozygotes.

Submissions (2):

Labcorp Genetics (formerly Invitae), Labcorp
Classification: Uncertain significance for Bardet-Biedl syndrome. Last evaluated: 2022-03-19. Review status: criteria provided, single submitter. Criteria: Invitae Variant Classification Sherloc (09022015). Collection method: clinical testing. Allele origin: germline.
Comment: This sequence change replaces arginine, which is basic and polar, with histidine, which is basic and polar, at codon 45 of the TRIM32 protein (p.Arg45His). This variant is present in population databases (rs143760041, gnomAD 0.007%). This variant has not been reported in the literature in individuals affected with TRIM32-related conditions. Algorithms developed to predict the effect of missense changes on protein structure and function are either unavailable or do not agree on the potential impact of this missense change (SIFT: "Deleterious"; PolyPhen-2: "Benign"; Align-GVGD: "Class C0"). In summary, the available evidence is currently insufficient to determine the role of this variant in disease. Therefore, it has been classified as a Variant of Uncertain Significance.

Fulgent Genetics
Classification: Uncertain significance for Sarcotubular myopathy; Bardet-Biedl syndrome 11. Last evaluated: 2021-09-22. Review status: criteria provided, single submitter. Criteria: ACMG Guidelines, 2015. Collection method: clinical testing. Allele origin: unknown.

NM_012210.4(TRIM32):c.134G>A (p.Arg45His)

Genes: ASTN2 (astrotactin 2; minus strand), TRIM32 (tripartite motif containing 32; plus strand). Cytogenetic location: 9q33.1.
Variant type: single nucleotide variant.
Coding change: c.134G>A on transcript NM_012210.4 (MANE Select); coding-DNA position 134, G replaced by A.
Protein change: p.Arg45His; replaces arginine 45 with histidine.
Molecular consequence: missense variant. On other transcripts: intron variant (3).
Genome position (GRCh38, 1-based): chr9:116,697,876, G>A. VCF-style: chr9-116697876-G-A. GRCh37 (hg19) VCF-style: chr9-119460155-G-A.
Other names: c.134G>A, p.Arg45His (NM_001099679.2, NM_001379048.1, NM_001379049.1 and 1 more transcripts); c.2653+27895C>T (NM_014010.5); c.2794+27895C>T (NM_001365069.1); c.2806+27895C>T (NM_001365068.1); short protein forms R45H.
Identifiers: ClinVar variation 1363356 (VCV001363356.4), dbSNP rs143760041, ClinGen allele CA5210912.